The following is an entry in ClinVar:

NM_001330588.2(TPP2):c.3550A>G (p.Thr1184Ala)

Gene: TPP2 (tripeptidyl peptidase 2; plus strand). Cytogenetic location: 13q33.1.
Variant type: single nucleotide variant.
Coding change: c.3550A>G on transcript NM_001330588.2 (MANE Select); coding-DNA position 3550, A replaced by G.
Protein change: p.Thr1184Ala; replaces threonine 1184 with alanine.
Molecular consequence: missense variant. On other transcripts: non-coding transcript variant (1).
Genome position (GRCh38, 1-based): chr13:102,674,461, A>G. VCF-style: chr13-102674461-A-G. GRCh37 (hg19) VCF-style: chr13-103326811-A-G.
Other names: c.3637A>G, p.Thr1213Ala (NM_001367947.1); c.3511A>G, p.Thr1171Ala (NM_003291.4); short protein forms T1171A, T1213A, T1184A.
Identifiers: ClinVar variation 1353889 (VCV001353889.5), dbSNP rs144879863, ClinGen allele CA7038294.

ClinVar aggregate classification (germline): Uncertain significance (1 of 4 stars; one submission).

Conditions:
Evans syndrome, immunodeficiency, and premature immunosenescence associated with tripeptidyl-peptidase II deficiency. Identifiers: MedGen CN231723. Disease mechanism: loss of function.

Allele frequency attached by ClinVar (database versions not stated): gnomAD exomes below 0.00001 and 0.00001; ExAC 0.00001; gnomAD 0.00001; TOPMed 0.00003; ESP Exome Variant Server 0.00008.
gnomAD v4.1: 8 of 1,613,668 alleles (0.0005%); highest among the groups gnomAD compares: South Asian, 0.0011%; no homozygotes.

Submission:

Labcorp Genetics (formerly Invitae), Labcorp
Classification: Uncertain significance for Evans syndrome, immunodeficiency, and premature immunosenescence associated with tripeptidyl-peptidase II deficiency. Last evaluated: 2021-09-24. Review status: criteria provided, single submitter. Criteria: Invitae Variant Classification Sherloc (09022015). Collection method: clinical testing. Allele origin: germline.
Comment: This sequence change replaces threonine with alanine at codon 1171 of the TPP2 protein (p.Thr1171Ala). The threonine residue is moderately conserved and there is a small physicochemical difference between threonine and alanine. This variant is present in population databases (rs144879863, ExAC 0.006%). This variant has not been reported in the literature in individuals with TPP2-related conditions. Algorithms developed to predict the effect of missense changes on protein structure and function (SIFT, PolyPhen-2, Align-GVGD) all suggest that this variant is likely to be tolerated, but these predictions have not been confirmed by published functional studies and their clinical significance is uncertain. In summary, the available evidence is currently insufficient to determine the role of this variant in disease. Therefore, it has been classified as a Variant of Uncertain Significance.